The following is an entry in ClinVar:

NM_032043.3(BRIP1):c.754A>G (p.Thr252Ala)

Gene: BRIP1 (BRCA1 interacting DNA helicase 1; minus strand). Cytogenetic location: 17q23.2.
Variant type: single nucleotide variant.
Coding change: c.754A>G on transcript NM_032043.3 (MANE Select); coding-DNA position 754, A replaced by G.
Protein change: p.Thr252Ala; replaces threonine 252 with alanine.
Molecular consequence: missense variant.
Genome position (GRCh38, 1-based): chr17:61,808,631, T>C on the plus strand (A>G on the coding strand, the complement: BRIP1 is on the minus strand). VCF-style: chr17-61808631-T-C. GRCh37 (hg19) VCF-style: chr17-59885992-T-C.
Other names: short protein forms T252A.
Identifiers: ClinVar variation 628146 (VCV000628146.17), dbSNP rs1567838131, ClinGen allele CA400484984.
Genomic context (GRCh38, chr17:61,808,631, plus strand): 5'-GAACCCCTGAATATGCCGTCCTCCGGAGCTCTCTAGTAATCTGAGCAATCTGCTTGTGTG[T>C]GCGTGTCCCAAAATATATTTTGGGTATCTTGGATTTCCCTGTATGATCCTTCTTAATGGT-3'
Protein context (NP_114432.2, residues 242-262): KIPKIYFGTR[Thr252Ala]HKQIAQITRE

ClinVar aggregate classification (germline): Uncertain significance. Review status: criteria provided, multiple submitters, no conflicts (2 of 4 stars). 3 submissions from 3 submitters: Uncertain significance (3). Last evaluated 2026-05-20.

Conditions:
Hereditary cancer-predisposing syndrome. Also called: Tumor predisposition; Hereditary Cancer Syndrome; Neoplastic Syndromes, Hereditary; Hereditary neoplastic syndrome. Identifiers: Orphanet 140162, MedGen C0027672, MeSH D009386, MONDO:0015356.
Fanconi anemia complementation group J. Also called: BRIP1-Related Fanconi Anemia. Identifiers: Orphanet 84, MedGen C1836860, MONDO:0012187, OMIM 609054.
Familial cancer of breast. Also called: hereditary breast carcinoma; Hereditary breast cancer; BREAST CANCER, FAMILIAL. Identifiers: Orphanet 227535, MedGen C0346153, MONDO:0016419, OMIM 114480. Disease mechanism: loss of function.

Submissions (3):

Ambry Genetics
Classification: Uncertain significance for Hereditary cancer-predisposing syndrome. Last evaluated: 2026-05-20. Review status: criteria provided, single submitter. Criteria: Ambry Variant Classification Scheme 2023. Collection method: clinical testing. Allele origin: germline.
Comment: The p.T252A variant (also known as c.754A>G), located in coding exon 6 of the BRIP1 gene, results from an A to G substitution at nucleotide position 754. The threonine at codon 252 is replaced by alanine, an amino acid with similar properties. This amino acid position is conserved. In addition, this alteration is predicted to be deleterious by in silico analysis. Based on the available evidence, the clinical significance of this variant remains unclear.

Color Diagnostics, LLC DBA Color Health
Classification: Uncertain significance for Hereditary cancer-predisposing syndrome. Last evaluated: 2024-03-06. Review status: criteria provided, single submitter. Criteria: ACMG Guidelines, 2015. Collection method: clinical testing. Allele origin: germline.
Comment: This missense variant replaces threonine with alanine at codon 252 of the BRIP1 protein. Computational prediction suggests that this variant may have deleterious impact on protein structure and function (internally defined REVEL score threshold >= 0.7, PMID: 27666373). To our knowledge, functional studies have not been reported for this variant. This variant has not been reported in individuals affected with hereditary cancer in the literature. This variant has not been identified in the general population by the Genome Aggregation Database (gnomAD). The available evidence is insufficient to determine the role of this variant in disease conclusively. Therefore, this variant is classified as a Variant of Uncertain Significance.

Labcorp Genetics (formerly Invitae), Labcorp
Classification: Uncertain significance for Familial cancer of breast; Fanconi anemia complementation group J. Last evaluated: 2019-10-20. Review status: criteria provided, single submitter. Criteria: Invitae Variant Classification Sherloc (09022015). Collection method: clinical testing. Allele origin: germline.
Comment: Algorithms developed to predict the effect of missense changes on protein structure and function (SIFT, PolyPhen-2, Align-GVGD) all suggest that this variant is likely to be disruptive, but these predictions have not been confirmed by published functional studies and their clinical significance is uncertain. In summary, the available evidence is currently insufficient to determine the role of this variant in disease. Therefore, it has been classified as a Variant of Uncertain Significance. This variant has not been reported in the literature in individuals with BRIP1-related conditions. ClinVar contains an entry for this variant (Variation ID: 628146). This variant is not present in population databases (ExAC no frequency). This sequence change replaces threonine with alanine at codon 252 of the BRIP1 protein (p.Thr252Ala). The threonine residue is highly conserved and there is a small physicochemical difference between threonine and alanine.